The following is an entry in ClinVar:

NM_020778.5(ALPK3):c.589G>C (p.Glu197Gln)

Gene: ALPK3 (alpha kinase 3; plus strand). Cytogenetic location: 15q25.3.
Variant type: single nucleotide variant.
Coding change: c.589G>C on transcript NM_020778.5 (MANE Select); coding-DNA position 589, G replaced by C.
Protein change: p.Glu197Gln; replaces glutamic acid 197 with glutamine.
Molecular consequence: missense variant.
Genome position (GRCh38, 1-based): chr15:84,839,868, G>C. VCF-style: chr15-84839868-G-C. GRCh37 (hg19) VCF-style: chr15-85383099-G-C.
Other names: short protein forms E197Q.
Identifiers: ClinVar variation 2449090 (VCV002449090.4), dbSNP rs1418106287, ClinGen allele CA393372999.
Genomic context (GRCh38, chr15:84,839,868, plus strand): 5'-ATCCACCAGCGCTGGTTCGCCAAGTTGAAGCGCAAGGCTGCGGCAAAGCTGCGCGAGATC[G>C]AGCAGAGCTGGAAGCACGAGAAGGCGGTGCCTGGGGAGGTCGACACTCTGCGCAAGCTCA-3'
Protein context (NP_065829.4, residues 187-207): RKAAAKLREI[Glu197Gln]QSWKHEKAVP

ClinVar aggregate classification (germline): Uncertain significance. Review status: criteria provided, multiple submitters, no conflicts (2 of 4 stars). 2 submissions from 2 submitters: Uncertain significance (2). Last evaluated 2025-09-14.

Conditions:
Cardiovascular phenotype. Identifiers: MedGen CN230736.

Allele frequency attached by ClinVar (database versions not stated): gnomAD 0.00001.

Submissions (2):

Labcorp Genetics (formerly Invitae), Labcorp
Classification: Uncertain significance. Last evaluated: 2025-09-14. Review status: criteria provided, single submitter. Criteria: Invitae Variant Classification Sherloc (09022015). Collection method: clinical testing. Allele origin: germline.
Comment: This sequence change replaces glutamic acid, which is acidic and polar, with glutamine, which is neutral and polar, at codon 399 of the ALPK3 protein (p.Glu399Gln). This variant is present in population databases (no rsID available, gnomAD 0.002%). This variant has not been reported in the literature in individuals affected with ALPK3-related conditions. ClinVar contains an entry for this variant (Variation ID: 2449090). Invitae Evidence Modeling of protein sequence and biophysical properties (such as structural, functional, and spatial information, amino acid conservation, physicochemical variation, residue mobility, and thermodynamic stability) indicates that this missense variant is expected to disrupt ALPK3 protein function with a positive predictive value of 80%. In summary, the available evidence is currently insufficient to determine the role of this variant in disease. Therefore, it has been classified as a Variant of Uncertain Significance.

Ambry Genetics
Classification: Uncertain significance for Cardiovascular phenotype. Last evaluated: 2024-12-31. Review status: criteria provided, single submitter. Criteria: Ambry Variant Classification Scheme 2023. Collection method: clinical testing. Allele origin: germline.
Comment: The p.E399Q variant (also known as c.1195G>C), located in coding exon 5 of the ALPK3 gene, results from a G to C substitution at nucleotide position 1195. The glutamic acid at codon 399 is replaced by glutamine, an amino acid with highly similar properties. This amino acid position is conserved. In addition, this alteration is predicted to be tolerated by in silico analysis. Since supporting evidence is limited at this time, the clinical significance of this alteration remains unclear.